The following is an entry in ClinVar:

ClinVar aggregate classification (germline): Conflicting classifications of pathogenicity. Review status: criteria provided, conflicting classifications (1 of 4 stars). 3 submissions from 3 submitters: Uncertain significance (2); Likely benign (1). Last evaluated 2025-10-01.

Allele frequency attached by ClinVar (database versions not stated): ESP Exome Variant Server 0.00015; 1000 Genomes Project 30x 0.00016; gnomAD 0.00017; 1000 Genomes Project 0.00020; TOPMed 0.00022.
gnomAD v4.1: 171 of 1,614,186 alleles (0.011%); highest among the groups gnomAD compares: Middle Eastern, 0.13%; no homozygotes.

Submissions (3):

CeGaT Center for Human Genetics Tuebingen
Classification: Likely benign. Last evaluated: 2025-10-01. Review status: criteria provided, single submitter. Criteria: CeGaT Center For Human Genetics Tuebingen Variant Classification Criteria Version 2. Collection method: clinical testing. Allele origin: germline. Affected: yes. Observed: 1 variant allele.
Comment: FAT2: PP2, BP4, BS1

Labcorp Genetics (formerly Invitae), Labcorp
Classification: Uncertain significance. Last evaluated: 2025-07-29. Review status: criteria provided, single submitter. Criteria: Invitae Variant Classification Sherloc (09022015). Collection method: clinical testing. Allele origin: germline.
Comment: This sequence change replaces serine, which is neutral and polar, with asparagine, which is neutral and polar, at codon 4107 of the FAT2 protein (p.Ser4107Asn). This variant is present in population databases (rs138705803, gnomAD 0.03%). This variant has not been reported in the literature in individuals affected with FAT2-related conditions. ClinVar contains an entry for this variant (Variation ID: 2066067). An algorithm developed to predict the effect of missense changes on protein structure and function outputs the following: PolyPhen-2: "Benign". The asparagine amino acid residue is found in multiple mammalian species, which suggests that this missense change does not adversely affect protein function. In summary, the available evidence is currently insufficient to determine the role of this variant in disease. Therefore, it has been classified as a Variant of Uncertain Significance.

Ambry Genetics
Classification: Uncertain significance. Last evaluated: 2025-07-15. Review status: criteria provided, single submitter. Criteria: Ambry Variant Classification Scheme 2023. Collection method: clinical testing. Allele origin: germline.

NM_001447.3(FAT2):c.12320G>A (p.Ser4107Asn)

Genes: FAT2 (FAT atypical cadherin 2; minus strand), SLC36A1 (solute carrier family 36 member 1; plus strand). Cytogenetic location: 5q33.1.
Variant type: single nucleotide variant.
Coding change: c.12320G>A on transcript NM_001447.3 (MANE Select); coding-DNA position 12320, G replaced by A.
Protein change: p.Ser4107Asn; replaces serine 4107 with asparagine.
Molecular consequence: missense variant.
Genome position (GRCh38, 1-based): chr5:151,507,351, C>T on the plus strand (G>A on the coding strand, the complement: FAT2 is on the minus strand). VCF-style: chr5-151507351-C-T. GRCh37 (hg19) VCF-style: chr5-150886912-C-T.
Other names: short protein forms S4107N.
Identifiers: ClinVar variation 2066067 (VCV002066067.12), dbSNP rs138705803, ClinGen allele CA3519804.